The following is an entry in ClinVar:

NM_000216.4(ANOS1):c.726+1G>A

Gene: ANOS1 (anosmin 1; minus strand). Cytogenetic location: Xp22.31.
Variant type: single nucleotide variant.
Coding change: c.726+1G>A on transcript NM_000216.4 (MANE Select); the canonical splice donor site of the intron after coding-DNA position 726, G replaced by A.
Molecular consequence: splice donor variant.
Genome position (GRCh38, 1-based): chrX:8,587,793, C>T on the plus strand (G>A on the coding strand, the complement: ANOS1 is on the minus strand). VCF-style: chrX-8587793-C-T. GRCh37 (hg19) VCF-style: chrX-8555834-C-T.
Identifiers: ClinVar variation 3776088 (VCV003776088.1).
Genomic context (GRCh38, chrX:8,587,793, plus strand): 5'-CGTAGCTATGTAGCAGACACTACCTCCAGGATGAAAATCAAAGTCTATATGAGGTTCTTA[C>T]CTGGGCCACTGTCTGCCAGTGAGTGGCGTCATCTTCGCTAGGATGGATTCCATAATTCCA-3'

ClinVar aggregate classification (germline): Likely pathogenic (1 of 4 stars; one submission).

Conditions:
Hypogonadotropic hypogonadism 1 with or without anosmia (HH1). Also called: HYPOGONADOTROPIC HYPOGONADISM AND ANOSMIA; Kallmann syndrome, type 1, X-linked; DYSPLASIA OLFACTOGENITALIS OF DE MORSIER; Hypogonadotropic hypogonadism 1 with or without anosmia (Kallmann syndrome 1); HYPOGONADOTROPIC HYPOGONADISM 1 WITH ANOSMIA; KAL1-Related GnRH Deficiency (Kallmann Syndrome 1; Kallmann Syndrome, X-Linked). Identifiers: Orphanet 478, MedGen C1563719, MONDO:0010635, OMIM 308700. Disease mechanism: loss of function.

Submission:

3billion
Classification: Likely pathogenic for Hypogonadotropic hypogonadism 1 with or without anosmia. Last evaluated: 2024-02-22. Review status: criteria provided, single submitter. Criteria: ACMG Guidelines, 2015. Collection method: clinical testing. Allele origin: germline. Affected: yes.
Comment: The variant is not observed in the gnomAD v2.1.1 dataset. Predicted Consequence/Location: Canonical splice site: predicted to alter splicing and result in a loss or disruption of normal protein function. Multiple pathogenic loss-of-function variants are reported downstream of the variant. In silico tools predict the variant to alter splicing and produce an abnormal transcript [Splice AI: 0.99 (spliceogenicity >=0.2, non-spliceogenicity <0.1)]. Therefore, this variant is classified as Likely pathogenic according to the recommendation of ACMG/AMP guideline.